The following is an entry in ClinVar:

ClinVar aggregate classification (germline): Benign (1 of 4 stars; one submission).

Allele frequency attached by ClinVar (database versions not stated): 1000 Genomes Project 0.01657; 1000 Genomes Project 30x 0.01733; TOPMed 0.03861; gnomAD 0.03872 and 0.04031.
gnomAD v4.1: 5,924 of 152,150 alleles (3.9%); highest among the groups gnomAD compares: Non-Finnish European, 6.3%; 152 homozygotes.

Submission:

GeneDx
Classification: Benign. Last evaluated: 2018-06-14. Review status: criteria provided, single submitter. Criteria: GeneDx Variant Classification (06012015). Collection method: clinical testing. Allele origin: germline. Affected: yes.
Comment: This variant is considered likely benign or benign based on one or more of the following criteria: it is a conservative change, it occurs at a poorly conserved position in the protein, it is predicted to be benign by multiple in silico algorithms, and/or has population frequency not consistent with disease.

NM_003850.3(SUCLA2):c.1317+167C>A

Gene: SUCLA2 (succinate-CoA ligase ADP-forming subunit beta; minus strand). Cytogenetic location: 13q14.2.
Variant type: single nucleotide variant.
Coding change: c.1317+167C>A on transcript NM_003850.3 (MANE Select); 167 bases into the intron after coding-DNA position 1317, C replaced by A.
Molecular consequence: intron variant.
Genome position (GRCh38, 1-based): chr13:47,948,773, G>T on the plus strand (C>A on the coding strand, the complement: SUCLA2 is on the minus strand). VCF-style: chr13-47948773-G-T. GRCh37 (hg19) VCF-style: chr13-48522908-G-T.
Identifiers: ClinVar variation 672219 (VCV000672219.1), dbSNP rs73187756, ClinGen allele CA13788327.